The following is an entry in ClinVar:

NM_020365.5(EIF2B3):c.728A>G (p.Gln243Arg)

Gene: EIF2B3 (eukaryotic translation initiation factor 2B subunit gamma; minus strand). Cytogenetic location: 1p34.1.
Variant type: single nucleotide variant.
Coding change: c.728A>G on transcript NM_020365.5 (MANE Select); coding-DNA position 728, A replaced by G.
Protein change: p.Gln243Arg; replaces glutamine 243 with arginine.
Molecular consequence: missense variant.
Genome position (GRCh38, 1-based): chr1:44,881,668, T>C on the plus strand (A>G on the coding strand, the complement: EIF2B3 is on the minus strand). VCF-style: chr1-44881668-T-C. GRCh37 (hg19) VCF-style: chr1-45347340-T-C.
Other names: c.728A>G, p.Gln243Arg (NM_001166588.3, NM_001261418.2); short protein forms Q243R.
Identifiers: ClinVar variation 1982329 (VCV001982329.1), dbSNP rs745626063, ClinGen allele CA823932.
Genomic context (GRCh38, chr1:44,881,668, plus strand): 5'-TGACCTAAGGACTTCAGCTCCTTTTTCTTTAGATCCTCCTCTTTTTCTTCTTGTCCCTGT[T>C]GTGAGGAAGCTGAGGAAAACTGTTTTCTCACTAAATATGGAATCAGTTCACTCCGGATAG-3'
Protein context (NP_065098.1, residues 233-253): VRKQFSSASS[Gln243Arg]QGQEEKEEDL

ClinVar aggregate classification (germline): Uncertain significance (1 of 4 stars; one submission).

Allele frequency attached by ClinVar (database versions not stated): gnomAD 0.00001; gnomAD exomes 0.00001; ExAC 0.00002; TOPMed 0.00003.
gnomAD v4.1: 12 of 1,614,082 alleles (0.00074%); highest among the groups gnomAD compares: South Asian, 0.011%; no homozygotes.

Submission:

Labcorp Genetics (formerly Invitae), Labcorp
Classification: Uncertain significance. Last evaluated: 2022-07-23. Review status: criteria provided, single submitter. Criteria: Invitae Variant Classification Sherloc (09022015). Collection method: clinical testing. Allele origin: germline.
Comment: This sequence change replaces glutamine, which is neutral and polar, with arginine, which is basic and polar, at codon 243 of the EIF2B3 protein (p.Gln243Arg). This variant is present in population databases (rs745626063, gnomAD 0.01%). This variant has not been reported in the literature in individuals affected with EIF2B3-related conditions. Algorithms developed to predict the effect of missense changes on protein structure and function (SIFT, PolyPhen-2, Align-GVGD) all suggest that this variant is likely to be tolerated. In summary, the available evidence is currently insufficient to determine the role of this variant in disease. Therefore, it has been classified as a Variant of Uncertain Significance.